The following is an entry in ClinVar:

NM_052874.5(STX1B):c.852del (p.Thr285fs)

Gene: STX1B (syntaxin 1B; minus strand). Cytogenetic location: 16p11.2.
Variant type: Deletion.
Coding change: c.852del on transcript NM_052874.5 (MANE Select); coding-DNA position 852, one base deleted (G; older notation c.852delG).
Protein change: p.Thr285fs; shifts the reading frame from threonine 285.
Molecular consequence: frameshift variant.
Genome position (GRCh38, 1-based): chr16:30,992,836, C deleted on the plus strand (G on the coding strand, the reverse complement: STX1B is on the minus strand); the first of 6 consecutive C bases (chr16:30,992,836-30,992,841); deleting any one gives the same sequence. VCF-style (leftmost placement, unchanged base first): chr16-30992835-TC-T. GRCh37 (hg19) VCF-style: chr16-31004156-TC-T.
Other names: short protein forms T285fs.
Identifiers: ClinVar variation 963594 (VCV000963594.9), dbSNP rs762705451, ClinGen allele CA1139664657.

ClinVar aggregate classification (germline): Uncertain significance (1 of 4 stars; one submission).

Conditions:
Generalized epilepsy with febrile seizures plus, type 9 (GEFSP9). Also called: GEFS+, TYPE 9. Identifiers: Orphanet 36387, MedGen C4015395, MONDO:0014517, OMIM 616172.

Submission:

Labcorp Genetics (formerly Invitae), Labcorp
Classification: Uncertain significance for Generalized epilepsy with febrile seizures plus, type 9. Last evaluated: 2019-08-29. Review status: criteria provided, single submitter. Criteria: Invitae Variant Classification Sherloc (09022015). Collection method: clinical testing. Allele origin: germline.
Comment: In summary, the available evidence is currently insufficient to determine the role of this variant in disease. Therefore, it has been classified as a Variant of Uncertain Significance. This variant has not been reported in the literature in individuals with STX1B-related conditions. This variant is not present in population databases (ExAC no frequency). This sequence change results in a frameshift in the STX1B gene (p.Thr285Argfs*69). While this is not anticipated to result in nonsense mediated decay, it is expected to disrupt the last 4 amino acids of the STX1B protein and extend the protein by an additional 64 amino acids.